The following is an entry in ClinVar:

ClinVar aggregate classification (germline): Pathogenic/Likely pathogenic. Review status: criteria provided, multiple submitters, no conflicts (2 of 4 stars). 3 submissions from 3 submitters: Pathogenic (1); Likely pathogenic (2). Last evaluated 2026-03-31.

Conditions:
Wilson disease (WND). Also called: Wilson's disease. Identifiers: Orphanet 905, MedGen C0019202, MONDO:0010200, OMIM 277900. Disease mechanism: loss of function.

Submissions (3):

Women's Health and Genetics/Laboratory Corporation of America, LabCorp
Classification: Pathogenic for Wilson disease. Last evaluated: 2026-03-31. Review status: criteria provided, single submitter. Criteria: LabCorp Variant Classification Summary - May 2015. Collection method: clinical testing. Allele origin: germline.
Comment: Variant summary: ATP7B c.1475T>C (p.Leu492Ser) results in a non-conservative amino acid change in the encoded protein sequence. Algorithms developed to predict the effect of missense changes on protein structure and function are either unavailable or do not agree on the potential impact of this missense change. The variant was absent in 249446 control chromosomes (gnomAD). c.1475T>C has been observed in individuals affected with Wilson Disease (Loudianos_1998, Battisti_2004, Xiao_2021). These data indicate that the variant is likely to be associated with disease. At least one publication reports experimental evidence evaluating an impact on protein function and this variant affects ATP7B protein function (de Bie_2007, Huster_2012, Das_2022). The following publications have been ascertained in the context of this evaluation (PMID: 15060811, 35762218, 22240481, 9671269, 34324271, 17919502). ClinVar contains an entry for this variant (Variation ID: 617908). Based on the evidence outlined above, the variant was classified as pathogenic.

Natera, Inc.
Classification: Likely pathogenic for Wilson disease. Last evaluated: 2024-08-19. Review status: criteria provided, single submitter. Criteria: Natera Variant Classification Schema (03/2026). Collection method: clinical testing. Allele origin: germline.
Comment: The c.1475T>C variant in ATP7B is a missense variant predicted to cause substitution of leucine to serine at amino acid 492. This variant is rare in the general population with a frequency below the threshold expected for the associated phenotype(s). This variant has been observed in one or more individuals affected with the associated recessive disease, as either homozygous or compound heterozygous with a second variant (PMID: 35220961, 15060811, 26782526). Functional studies show that this variant may disrupt protein function (PMID: 22240481). Computational prediction algorithms indicate this variant is likely to affect gene or protein function. Given the available evidence, this variant is classified as Likely Pathogenic.

SIB Swiss Institute of Bioinformatics
Classification: Likely pathogenic for Wilson disease. Last evaluated: 2018-10-15. Review status: criteria provided, single submitter. Criteria: ACMG Guidelines, 2015. Collection method: curation. Allele origin: germline.
Comment: This variant is interpreted as Likely Pathogenic, for Wilson disease, autosomal recessive. The following ACMG Tag(s) were applied: PM2 => Absent from controls (or at extremely low frequency if recessive) in Exome Sequencing Project, 1000 Genomes Project, or Exome Aggregation Consortium. PS3 => Well-established functional studies show a deleterious effect activity. (PubMed 22240481).

Literature cited by the submitters: PubMed 9671269 (cited by Women's Health and Genetics/Laboratory Corporation of America, LabCorp); PubMed 17919502 (cited by Women's Health and Genetics/Laboratory Corporation of America, LabCorp); PubMed 22240481 (cited by 3 submitters); PubMed 34324271 (cited by Women's Health and Genetics/Laboratory Corporation of America, LabCorp); PubMed 35762218 (cited by Women's Health and Genetics/Laboratory Corporation of America, LabCorp); PubMed 15060811 (cited by Women's Health and Genetics/Laboratory Corporation of America, LabCorp and Natera, Inc.); PubMed 35220961 (cited by Natera, Inc.); PubMed 26782526 (cited by Natera, Inc.).

NM_000053.4(ATP7B):c.1475T>C (p.Leu492Ser)

Gene: ATP7B (ATPase copper transporting beta; minus strand). Cytogenetic location: 13q14.3.
Variant type: single nucleotide variant.
Coding change: c.1475T>C on transcript NM_000053.4 (MANE Select); coding-DNA position 1475, T replaced by C.
Protein change: p.Leu492Ser; replaces leucine 492 with serine.
Molecular consequence: missense variant.
Genome position (GRCh38, 1-based): chr13:51,970,560, A>G on the plus strand (T>C on the coding strand, the complement: ATP7B is on the minus strand). VCF-style: chr13-51970560-A-G. GRCh37 (hg19) VCF-style: chr13-52544696-A-G.
Other names: c.1475T>C, p.Leu492Ser (NM_001005918.3, NM_001330578.2, NM_001330579.2); c.1142T>C, p.Leu381Ser (NM_001243182.2); c.1475T>C (NM_000053.3); short protein forms L492S, L381S.
Identifiers: ClinVar variation 617908 (VCV000617908.3), dbSNP rs1566580253, ClinGen allele CA388035492.
Genomic context (GRCh38, chr13:51,970,560, plus strand): 5'-TTCTGCAGATTCCTTTCTATGTTAGACACACAGGATGCACAGGTCATGCCTTTGATCTGT[A>G]AGAAGCACTTCTGCGGTGCCACTGCTCTGGTTGATTGTGGGGACTTTGCCAAGATGTCCG-3'
Protein context (NP_000044.2, residues 482-502): TRAVAPQKCF[Leu492Ser]QIKGMTCASC